The following is an entry in ClinVar:

NM_032608.7(MYO18B):c.775C>T (p.Gln259Ter)

Gene: MYO18B (myosin XVIIIB; plus strand). Cytogenetic location: 22q12.1.
Variant type: single nucleotide variant.
Coding change: c.775C>T on transcript NM_032608.7 (MANE Select); coding-DNA position 775, C replaced by T.
Protein change: p.Gln259Ter; replaces glutamine 259 with a stop codon.
Molecular consequence: nonsense.
Genome position (GRCh38, 1-based): chr22:25,768,691, C>T. VCF-style: chr22-25768691-C-T. GRCh37 (hg19) VCF-style: chr22-26164658-C-T.
Other names: c.775C>T, p.Gln259Ter (NM_001318245.2); short protein forms Q259*.
Identifiers: ClinVar variation 5006471 (VCV005006471.2).

ClinVar aggregate classification (germline): Likely pathogenic (1 of 4 stars; one submission).

Conditions:
Klippel-Feil anomaly-myopathy-facial dysmorphism syndrome. Also called: Klippel-feil syndrome 4, autosomal recessive, with nemaline myopathy and facial dysmorphism; Klippel-Feil syndrome 4, autosomal recessive, with myopathy and facial dysmorphism. Identifiers: Orphanet 447974, MedGen C4225285, MONDO:0014689, OMIM 616549.

gnomAD v4.1: 2 of 1,565,142 alleles (0.00013%); highest among the groups gnomAD compares: Non-Finnish European, 0.00017%; no homozygotes.

Submission:

Juno Genomics, Hangzhou Juno Genomics, Inc
Classification: Likely pathogenic for Klippel-Feil anomaly-myopathy-facial dysmorphism syndrome. Review status: criteria provided, single submitter. Criteria: ACMG Guidelines, 2015. Collection method: clinical testing. Allele origin: germline.
Comment: Null variant in a gene where loss of function (LOF) is a known mechanism of disease.;Absent from controls (or at extremely low frequency if recessive) in Genome Aggregation Database.